The following is an entry in ClinVar:

NM_000245.4(MET):c.2596G>C (p.Asp866His)

Gene: MET (MET proto-oncogene, receptor tyrosine kinase; plus strand). Cytogenetic location: 7q31.2.
Variant type: single nucleotide variant.
Coding change: c.2596G>C on transcript NM_000245.4 (MANE Select); coding-DNA position 2596, G replaced by C.
Protein change: p.Asp866His; replaces aspartic acid 866 with histidine.
Molecular consequence: missense variant.
Genome position (GRCh38, 1-based): chr7:116,769,657, G>C. VCF-style: chr7-116769657-G-C. GRCh37 (hg19) VCF-style: chr7-116409711-G-C.
Other names: c.2650G>C, p.Asp884His (NM_001127500.3); c.2596G>C, p.Asp866His (NM_001324401.3); c.1306G>C, p.Asp436His (NM_001324402.2); short protein forms D436H, D866H, D884H.
Identifiers: ClinVar variation 1719826 (VCV001719826.6), dbSNP rs2116982612, ClinGen allele CA368985313.
Genomic context (GRCh38, chr7:116,769,657, plus strand): 5'-GCAGAACTGTGAAGTGTTAACAACCTTTTTTTTTTTTTTTCCTTTCAGGGAAATGATATT[G>C]ACCCTGAAGCAGTTAAAGGTGAAGTGTTAAAAGTTGGAAATAAGAGCTGTGAGAATATAC-3'
Protein context (NP_000236.2, residues 856-876): NVLEIKGNDI[Asp866His]PEAVKGEVLK

ClinVar aggregate classification (germline): Uncertain significance. Review status: criteria provided, multiple submitters, no conflicts (2 of 4 stars). 2 submissions from 2 submitters: Uncertain significance (2). Last evaluated 2026-02-13.

Conditions:
Hereditary cancer-predisposing syndrome. Also called: Tumor predisposition; Hereditary Cancer Syndrome; Hereditary neoplastic syndrome; Neoplastic Syndromes, Hereditary. Identifiers: Orphanet 140162, MedGen C0027672, MeSH D009386, MONDO:0015356.
Renal cell carcinoma. Identifiers: Orphanet 217071, MedGen C0007134, MeSH D002292, MONDO:0005086, HP:0005584.

Submissions (2):

Ambry Genetics
Classification: Uncertain significance for Hereditary cancer-predisposing syndrome. Last evaluated: 2026-02-13. Review status: criteria provided, single submitter. Criteria: Ambry Variant Classification Scheme 2023. Collection method: clinical testing. Allele origin: germline.
Comment: The p.D884H variant (also known as c.2650G>C), located in coding exon 11 of the MET gene, results from a G to C substitution at nucleotide position 2650. The aspartic acid at codon 884 is replaced by histidine, an amino acid with similar properties. This amino acid position is highly conserved in available vertebrate species. In addition, this alteration is predicted to be deleterious by in silico analysis. Based on the available evidence, the clinical significance of this variant remains unclear.

Labcorp Genetics (formerly Invitae), Labcorp
Classification: Uncertain significance for Renal cell carcinoma. Last evaluated: 2023-11-02. Review status: criteria provided, single submitter. Criteria: Invitae Variant Classification Sherloc (09022015). Collection method: clinical testing. Allele origin: germline.
Comment: This sequence change replaces aspartic acid, which is acidic and polar, with histidine, which is basic and polar, at codon 884 of the MET protein (p.Asp884His). This variant is not present in population databases (gnomAD no frequency). This variant has not been reported in the literature in individuals affected with MET-related conditions. ClinVar contains an entry for this variant (Variation ID: 1719826). An algorithm developed to predict the effect of missense changes on protein structure and function (PolyPhen-2) suggests that this variant is likely to be disruptive. In summary, the available evidence is currently insufficient to determine the role of this variant in disease. Therefore, it has been classified as a Variant of Uncertain Significance.